The following is an entry in ClinVar:

ClinVar aggregate classification (germline): Uncertain significance. Review status: criteria provided, multiple submitters, no conflicts (2 of 4 stars). 2 submissions from 2 submitters: Uncertain significance (2). Last evaluated 2023-09-12.

Conditions:
Hyperkalemic periodic paralysis. Also called: Familial hyperkalemic periodic paralysis; Gamstorp disease. Identifiers: Orphanet 682, MedGen C0238357, MONDO:0008224, OMIM 170500, HP:0007215.

Allele frequency attached by ClinVar (database versions not stated): TOPMed below 0.00001; gnomAD 0.00001; gnomAD exomes 0.00001; ExAC 0.00003.

Submissions (2):

Revvity Omics, Revvity
Classification: Uncertain significance. Last evaluated: 2023-09-12. Review status: criteria provided, single submitter. Criteria: ACMG Guidelines, 2015. Collection method: clinical testing. Allele origin: germline.

Labcorp Genetics (formerly Invitae), Labcorp
Classification: Uncertain significance for Hyperkalemic periodic paralysis. Last evaluated: 2022-11-17. Review status: criteria provided, single submitter. Criteria: Invitae Variant Classification Sherloc (09022015). Collection method: clinical testing. Allele origin: germline.
Comment: This sequence change replaces serine, which is neutral and polar, with threonine, which is neutral and polar, at codon 950 of the SCN4A protein (p.Ser950Thr). This variant is present in population databases (rs371425914, gnomAD 0.007%). This variant has not been reported in the literature in individuals affected with SCN4A-related conditions. Advanced modeling of protein sequence and biophysical properties (such as structural, functional, and spatial information, amino acid conservation, physicochemical variation, residue mobility, and thermodynamic stability) performed at Invitae indicates that this missense variant is not expected to disrupt SCN4A protein function. In summary, the available evidence is currently insufficient to determine the role of this variant in disease. Therefore, it has been classified as a Variant of Uncertain Significance.

NM_000334.4(SCN4A):c.2849G>C (p.Ser950Thr)

Genes: GH-LCR (growth hormone locus control region; plus strand), SCN4A (sodium voltage-gated channel alpha subunit 4; minus strand). Cytogenetic location: 17q23.3.
Variant type: single nucleotide variant.
Coding change: c.2849G>C on transcript NM_000334.4 (MANE Select); coding-DNA position 2849, G replaced by C.
Protein change: p.Ser950Thr; replaces serine 950 with threonine.
Molecular consequence: missense variant.
Genome position (GRCh38, 1-based): chr17:63,951,428, C>G on the plus strand (G>C on the coding strand, the complement: SCN4A is on the minus strand). VCF-style: chr17-63951428-C-G. GRCh37 (hg19) VCF-style: chr17-62028788-C-G.
Other names: short protein forms S950T.
Identifiers: ClinVar variation 2903497 (VCV002903497.4), dbSNP rs371425914, ClinGen allele CA8709488.